The following is an entry in ClinVar:

ClinVar aggregate classification (germline): Benign/Likely benign. Review status: criteria provided, multiple submitters, no conflicts (2 of 4 stars). 4 submissions from 4 submitters: Benign (2); Likely benign (2). Last evaluated 2026-01-05.

Allele frequency attached by ClinVar (database versions not stated): gnomAD exomes 0.00026 and 0.00012; 1000 Genomes Project 30x 0.00031; ExAC 0.00035; 1000 Genomes Project 0.00040; gnomAD 0.00121 and 0.00128; TOPMed 0.00124; ESP Exome Variant Server 0.00177.
gnomAD v4.1: 370 of 1,614,198 alleles (0.023%); highest among the groups gnomAD compares: African/African-American, 0.37%; 3 homozygotes.

Submissions (4):

Labcorp Genetics (formerly Invitae), Labcorp
Classification: Benign. Last evaluated: 2026-01-05. Review status: criteria provided, single submitter. Criteria: Invitae Variant Classification Sherloc (09022015). Collection method: clinical testing. Allele origin: germline.

CeGaT Center for Human Genetics Tuebingen
Classification: Likely benign. Last evaluated: 2025-12-01. Review status: criteria provided, single submitter. Criteria: CeGaT Center For Human Genetics Tuebingen Variant Classification Criteria Version 2. Collection method: clinical testing. Allele origin: germline. Affected: yes. Observed: 1 variant allele.
Comment: DVL3: BP4, BP7

Blueprint Genetics
Classification: Likely benign. Last evaluated: 2024-11-01. Review status: criteria provided, single submitter. Criteria: ACMG Guidelines, 2015. Collection method: clinical testing. Allele origin: germline.

Breakthrough Genomics
Classification: Benign. Review status: criteria provided, single submitter. Criteria: ACMG Guidelines, 2015. Collection method: not provided. Allele origin: germline. Inheritance: Autosomal dominant inheritance. Affected: yes.

NM_004423.4(DVL3):c.1263C>T (p.Ser421=)

Gene: DVL3 (dishevelled segment polarity protein 3; plus strand). Cytogenetic location: 3q27.1.
Variant type: single nucleotide variant.
Coding change: c.1263C>T on transcript NM_004423.4 (MANE Select); coding-DNA position 1263, C replaced by T.
Protein change: p.Ser421=; no amino-acid change (serine 421 retained).
Molecular consequence: synonymous variant.
Genome position (GRCh38, 1-based): chr3:184,167,644, C>T. VCF-style: chr3-184167644-C-T. GRCh37 (hg19) VCF-style: chr3-183885432-C-T.
Identifiers: ClinVar variation 731935 (VCV000731935.16), dbSNP rs140653864, ClinGen allele CA2727375.